The following is an entry in ClinVar:

ClinVar aggregate classification (germline): Conflicting classifications of pathogenicity. Review status: criteria provided, conflicting classifications (1 of 4 stars). 3 submissions from 3 submitters: Uncertain significance (2); Likely benign (1). Last evaluated 2025-11-22.

Conditions:
Distichiasis-lymphedema syndrome. Also called: LYMPHEDEMA WITH DISTICHIASIS. Identifiers: Orphanet 33001, MedGen C0265345, MONDO:0007922, OMIM 153400.
FOXC2-related disorder. Also called: FOXC2-related condition.

Submissions (3):

PreventionGenetics, part of Exact Sciences
Classification: Likely benign for FOXC2-related condition. Last evaluated: 2025-11-22. Review status: criteria provided, single submitter. Criteria: ACMG Guidelines, 2015. Collection method: clinical testing. Allele origin: germline.
Comment: This variant is classified as likely benign based on ACMG/AMP sequence variant interpretation guidelines (Richards et al. 2015 PMID: 25741868, with internal and published modifications).

Labcorp Genetics (formerly Invitae), Labcorp
Classification: Uncertain significance. Last evaluated: 2025-10-01. Review status: criteria provided, single submitter. Criteria: Invitae Variant Classification Sherloc (09022015). Collection method: clinical testing. Allele origin: germline.
Comment: This variant, c.1169_1189del, results in the deletion of 7 amino acid(s) of the FOXC2 protein (p.Gln390_His396del), but otherwise preserves the integrity of the reading frame. This variant is present in population databases (no rsID available, gnomAD 0.03%). This variant has not been reported in the literature in individuals affected with FOXC2-related conditions. ClinVar contains an entry for this variant (Variation ID: 1057379). Experimental studies and prediction algorithms are not available or were not evaluated, and the functional significance of this variant is currently unknown. In summary, the available evidence is currently insufficient to determine the role of this variant in disease. Therefore, it has been classified as a Variant of Uncertain Significance.

Fulgent Genetics
Classification: Uncertain significance for Distichiasis-lymphedema syndrome. Last evaluated: 2022-03-22. Review status: criteria provided, single submitter. Criteria: ACMG Guidelines, 2015. Collection method: clinical testing. Allele origin: unknown.

NM_005251.3(FOXC2):c.1169_1189del (p.Gln390_His396del)

Gene: FOXC2 (forkhead box C2; plus strand). Cytogenetic location: 16q24.1.
Variant type: Deletion.
Coding change: c.1169_1189del on transcript NM_005251.3 (MANE Select); coding-DNA positions 1169 to 1189, 21 bases deleted (AGCACCACGGCCACCACCACC).
Protein change: p.Gln390_His396del.
Molecular consequence: inframe deletion.
Genome position (GRCh38, 1-based): chr16:86,568,504-86,568,524, AGCACCACGGCCACCACCACC deleted; deleting any 21 consecutive bases within chr16:86,568,491-86,568,524 gives the same sequence; the c. name uses the placement nearest the transcript's 3' end. VCF-style (leftmost placement, unchanged base first): chr16-86568490-GGGCCACCACCACCAGCACCAC-G. GRCh37 (hg19) VCF-style: chr16-86602096-GGGCCACCACCACCAGCACCAC-G.
Other names: c.1169_1189del21 (NM_005251.2).
Identifiers: ClinVar variation 1057379 (VCV001057379.11), dbSNP rs976840192, ClinGen allele CA285808075.